The following is an entry in ClinVar:

ClinVar aggregate classification (germline): Conflicting classifications of pathogenicity. Review status: criteria provided, conflicting classifications (1 of 4 stars). 4 submissions from 4 submitters: Uncertain significance (2); Likely benign (1). 1 of the submissions does not count toward it. Last evaluated 2026-01-24.

Conditions:
ABCC2-related disorder. Also called: ABCC2-related condition.

Submissions (4):

Labcorp Genetics (formerly Invitae), Labcorp
Classification: Likely benign. Last evaluated: 2026-01-24. Review status: criteria provided, single submitter. Criteria: Invitae Variant Classification Sherloc (09022015). Collection method: clinical testing. Allele origin: germline.

Eurofins Ntd Llc (ga)
Classification: Uncertain significance. Last evaluated: 2018-02-21. Review status: criteria provided, single submitter. Criteria: EGL ClinVar v180209 classification definitions. Collection method: clinical testing. Allele origin: germline. Observed: 7 variant alleles, 7 heterozygotes.

Breakthrough Genomics
Classification: Uncertain significance. Review status: criteria provided, single submitter. Criteria: ACMG Guidelines, 2015. Collection method: not provided. Allele origin: germline. Inheritance: Autosomal recessive inheritance. Affected: yes.

PreventionGenetics, part of Exact Sciences
Classification: Likely benign for ABCC2-related condition. Last evaluated: 2019-12-31. Review status: no assertion criteria provided. Collection method: clinical testing. Allele origin: germline. Not counted in ClinVar's aggregate classification.
Comment: This variant is classified as likely benign based on ACMG/AMP sequence variant interpretation guidelines (Richards et al. 2015 PMID: 25741868, with internal and published modifications).

NM_000392.5(ABCC2):c.2620+10_2620+12del

Gene: ABCC2 (ATP binding cassette subfamily C member 2; plus strand). Cytogenetic location: 10q24.2.
Variant type: Microsatellite.
Coding change: c.2620+10_2620+12del on transcript NM_000392.5 (MANE Select); bases 10 to 12 of the intron after coding-DNA position 2620, 3 bases deleted (AAG; older notation c.2620+10_2620+12delAAG).
Molecular consequence: intron variant.
Genome position (GRCh38, 1-based): chr10:99,819,279-99,819,281, AAG deleted; deleting any 3 consecutive bases within chr10:99,819,276-99,819,281 gives the same sequence; the c. name uses the placement nearest the transcript's 3' end. VCF-style (leftmost placement, unchanged base first): chr10-99819275-TAAG-T. GRCh37 (hg19) VCF-style: chr10-101579032-TAAG-T.
Other names: c.2620+10_2620+12delAAG (NM_000392.4).
Identifiers: ClinVar variation 291051 (VCV000291051.12), dbSNP rs764566414, ClinGen allele CA5643527.